The following is an entry in ClinVar:

ClinVar aggregate classification (germline): Likely benign (1 of 4 stars; one submission).

Allele frequency attached by ClinVar (database versions not stated): gnomAD exomes 0.00001; gnomAD 0.00003; TOPMed 0.00003; ESP Exome Variant Server 0.00008.
gnomAD v4.1: 13 of 1,613,946 alleles (0.00081%); highest among the groups gnomAD compares: Non-Finnish European, 0.001%; no homozygotes.

Submission:

CeGaT Center for Human Genetics Tuebingen
Classification: Likely benign. Last evaluated: 2022-08-01. Review status: criteria provided, single submitter. Criteria: CeGaT Center For Human Genetics Tuebingen Variant Classification Criteria Version 2. Collection method: clinical testing. Allele origin: germline. Affected: yes. Observed: 1 variant allele.
Comment: RELN: BP4, BP7

NM_005045.4(RELN):c.8295G>A (p.Val2765=)

Genes: RELN (reelin; minus strand), SLC26A5-AS1 (SLC26A5 antisense RNA 1; plus strand). Cytogenetic location: 7q22.1.
Variant type: single nucleotide variant.
Coding change: c.8295G>A on transcript NM_005045.4 (MANE Select); coding-DNA position 8295, G replaced by A.
Protein change: p.Val2765=; no amino-acid change (valine 2765 retained).
Molecular consequence: synonymous variant.
Genome position (GRCh38, 1-based): chr7:103,503,210, C>T on the plus strand (G>A on the coding strand, the complement: RELN is on the minus strand). VCF-style: chr7-103503210-C-T. GRCh37 (hg19) VCF-style: chr7-103143657-C-T.
Other names: c.8295G>A, p.Val2765= (NM_173054.3).
Identifiers: ClinVar variation 2657894 (VCV002657894.24), dbSNP rs148821179, ClinGen allele CA163913397.